The following is an entry in ClinVar:

ClinVar aggregate classification (germline): Pathogenic (1 of 4 stars; one submission).

Submission:

GeneDx
Classification: Pathogenic. Last evaluated: 2017-03-03. Review status: criteria provided, single submitter. Criteria: GeneDx Variant Classification (06012015). Collection method: clinical testing. Allele origin: germline. Affected: yes.
Comment: The c.7840delG pathogenic variant in the CHD7 gene causes a frameshift starting with codon Aspartic acid 2614, changes this amino acid to a Methionine residue and creates a premature Stop codon at position 25 of the new reading frame, denoted p.Asp2614MEtfsX25. This pathogenic variant is predicted to cause loss of normal protein function either through protein truncation or nonsense-mediated mRNA decay. Although this pathogenic variant has not been previously reported to our knowledge, its presence is consistent with the diagnosis of CHARGE syndrome.

NM_017780.4(CHD7):c.7840del (p.Asp2614fs)

Gene: CHD7 (chromodomain helicase DNA binding protein 7; plus strand). Cytogenetic location: 8q12.2.
Variant type: Deletion.
Coding change: c.7840del on transcript NM_017780.4 (MANE Select); coding-DNA position 7840, one base deleted (G; older notation c.7840delG).
Protein change: p.Asp2614fs; shifts the reading frame from aspartic acid 2614.
Molecular consequence: frameshift variant. On other transcripts: intron variant (1).
Genome position (GRCh38, 1-based): chr8:60,862,205, G deleted. VCF-style (leftmost placement, unchanged base first): chr8-60862204-AG-A. GRCh37 (hg19) VCF-style: chr8-61774763-AG-A.
Other names: c.1717-24del (NM_001316690.1); c.7840del (LRG_176t1); short protein forms D2614fs.
Identifiers: ClinVar variation 265574 (VCV000265574.2), dbSNP rs886039636, ClinGen allele CA10588461.